The following is an entry in ClinVar:

ClinVar aggregate classification (germline): Uncertain significance (1 of 4 stars; one submission).

gnomAD v4.1: 1 of 1,518,172 alleles (0.000066%); highest among the groups gnomAD compares: African/African-American, 0.0014%; no homozygotes.

Submission:

GeneDx
Classification: Uncertain significance. Last evaluated: 2026-02-24. Review status: criteria provided, single submitter. Criteria: GeneDx Variant Classification Process June 2021. Collection method: clinical testing. Allele origin: germline.
Comment: Not observed at significant frequency in large population cohorts (gnomAD); In silico analysis suggests that this missense variant does not alter protein structure/function; Has not been previously published as pathogenic or benign to our knowledge

NM_016148.5(SHANK1):c.4547C>G (p.Pro1516Arg)

Gene: SHANK1 (SH3 and multiple ankyrin repeat domains 1; minus strand). Cytogenetic location: 19q13.33.
Variant type: single nucleotide variant.
Coding change: c.4547C>G on transcript NM_016148.5 (MANE Select); coding-DNA position 4547, C replaced by G.
Protein change: p.Pro1516Arg; replaces proline 1516 with arginine.
Molecular consequence: missense variant.
Genome position (GRCh38, 1-based): chr19:50,667,413, G>C on the plus strand (C>G on the coding strand, the complement: SHANK1 is on the minus strand). VCF-style: chr19-50667413-G-C. GRCh37 (hg19) VCF-style: chr19-51170670-G-C.
Other names: short protein forms P1516R.
Identifiers: ClinVar variation 5008002 (VCV005008002.1).